The following is an entry in ClinVar:

NM_000289.6(PFKM):c.1761del (p.Ala588fs)

Gene: PFKM (phosphofructokinase, muscle; plus strand). Cytogenetic location: 12q13.11.
Variant type: Deletion.
Coding change: c.1761del on transcript NM_000289.6 (MANE Select); coding-DNA position 1761, one base deleted (A; older notation c.1761delA).
Protein change: p.Ala588fs; shifts the reading frame from alanine 588.
Molecular consequence: frameshift variant. On other transcripts: non-coding transcript variant (6).
Genome position (GRCh38, 1-based): chr12:48,142,889, A deleted. VCF-style (leftmost placement, unchanged base first): chr12-48142888-CA-C. GRCh37 (hg19) VCF-style: chr12-48536671-CA-C.
Other names: c.1974del, p.Ala659fs (NM_001166686.2, NM_001354737.1, NM_001354738.1 and 1 more transcripts); c.1761del, p.Ala588fs (NM_001166687.2, NM_001166688.2, NM_001354742.2 and 2 more transcripts); c.2070del, p.Ala691fs (NM_001354735.1, NM_001354736.1); c.1905del, p.Ala636fs (NM_001354740.1); c.1785del, p.Ala596fs (NM_001354741.2); c.1674del, p.Ala559fs (NM_001354745.2); c.1635del, p.Ala546fs (NM_001354746.2); c.1611del, p.Ala538fs (NM_001354747.2, NM_001354748.2); and 1 more; short protein forms A588fs, A636fs, A559fs, A659fs, A538fs, A546fs, A557fs, A596fs.
Identifiers: ClinVar variation 1422945 (VCV001422945.6), dbSNP rs2136020407, ClinGen allele CA2573148746.
Genomic context (GRCh38, chr12:48,142,888, plus strand): 5'-TGTTTATCATTGAGACTATGGGTGGCTACTGTGGCTACCTGGCTACCATGGCTGGACTGG[CA>C]GCTGGGGCCGATGCTGCCTACATTTTTGAGGAGCCCTTCACCATTCGAGACCTGCAGGTA-3'

ClinVar aggregate classification (germline): Pathogenic (1 of 4 stars; one submission).

Conditions:
Glycogen storage disease, type VII (GSD7). Also called: GSD VII; MUSCLE PHOSPHOFRUCTOKINASE DEFICIENCY; PFKM DEFICIENCY; TARUI DISEASE. Identifiers: Orphanet 371, MedGen C0017926, MONDO:0009295, OMIM 232800.

Submission:

Labcorp Genetics (formerly Invitae), Labcorp
Classification: Pathogenic for Glycogen storage disease, type VII. Last evaluated: 2022-10-31. Review status: criteria provided, single submitter. Criteria: Invitae Variant Classification Sherloc (09022015). Collection method: clinical testing. Allele origin: germline.
Comment: For these reasons, this variant has been classified as Pathogenic. ClinVar contains an entry for this variant (Variation ID: 1422945). This variant has not been reported in the literature in individuals affected with PFKM-related conditions. This variant is not present in population databases (gnomAD no frequency). This sequence change creates a premature translational stop signal (p.Ala588Leufs*29) in the PFKM gene. It is expected to result in an absent or disrupted protein product. Loss-of-function variants in PFKM are known to be pathogenic (PMID: 7825568, 8037209).

Literature cited by the submitters: PubMed 7825568; PubMed 8037209.